The following is an entry in ClinVar:

ClinVar aggregate classification (germline): not provided (0 of 4 stars; one submission).

Submission:

Cardiovascular Biomedical Research Unit, Royal Brompton & Harefield NHS Foundation Trust
No classification provided. Review status: no classification provided. Collection method: literature only. Allele origin: germline.
Comment: This variant has been reported in the following publications (PMID:16487223).

Literature cited by the submitters: PubMed 16487223; PubMed 22581653.

NM_000218.3(KCNQ1):c.356G>A (p.Gly119Asp)

Gene: KCNQ1 (potassium voltage-gated channel subfamily Q member 1; plus strand). Cytogenetic location: 11p15.5.
Variant type: single nucleotide variant.
Coding change: c.356G>A on transcript NM_000218.3 (MANE Select); coding-DNA position 356, G replaced by A.
Protein change: p.Gly119Asp; replaces glycine 119 with aspartic acid.
Molecular consequence: missense variant.
Genome position (GRCh38, 1-based): chr11:2,445,454, G>A. VCF-style: chr11-2445454-G-A. GRCh37 (hg19) VCF-style: chr11-2466684-G-A.
Other names: c.356G>A (LRG_287t1); short protein forms G119D.
Identifiers: ClinVar variation 67066 (VCV000067066.1), dbSNP rs199472680, ClinGen allele CA006864.